The following is an entry in ClinVar:

ClinVar aggregate classification (germline): Conflicting classifications of pathogenicity. Review status: criteria provided, conflicting classifications (1 of 4 stars). 2 submissions from 2 submitters: Uncertain significance (1); Likely benign (1). Last evaluated 2026-07-20.

Conditions:
TTN-related disorder. Also called: TTN-related condition; TTN-related disease; TTN-related disorders.

gnomAD v4.1: 49 of 1,550,230 alleles (0.0032%); highest among the groups gnomAD compares: African/African-American, 0.064%; no homozygotes.

Submissions (2):

PreventionGenetics, part of Exact Sciences
Classification: Uncertain significance for TTN-related condition. Last evaluated: 2026-07-20. Review status: criteria provided, single submitter. Criteria: ACMG Guidelines, 2015. Collection method: clinical testing. Allele origin: germline.
Comment: The TTN c.39908C>T variant is predicted to result in the amino acid substitution p.Pro13303Leu. To our knowledge, this variant has not been reported in the literature. This variant is reported in 0.069% of alleles in individuals of African descent in gnomAD. Although we suspect that this variant may be benign, at this time, the clinical significance of this variant is uncertain due to the absence of conclusive functional and genetic evidence.

Molecular Diagnostic Laboratory for Inherited Cardiovascular Disease, Montreal Heart Institute
Classification: Likely benign. Last evaluated: 2025-04-09. Review status: criteria provided, single submitter. Criteria: ACMG Guidelines, 2015. Collection method: clinical testing. Allele origin: germline. Affected: no.
Comment: BP1

NM_001267550.2(TTN):c.39908C>T (p.Pro13303Leu)

Gene: TTN (titin; minus strand). Cytogenetic location: 2q31.2.
Variant type: single nucleotide variant.
Coding change: c.39908C>T on transcript NM_001267550.2 (MANE Select); coding-DNA position 39908, C replaced by T.
Protein change: p.Pro13303Leu; replaces proline 13303 with leucine.
Molecular consequence: missense variant. On other transcripts: intron variant (5).
Genome position (GRCh38, 1-based): chr2:178,649,619, G>A on the plus strand (C>T on the coding strand, the complement: TTN is on the minus strand). VCF-style: chr2-178649619-G-A. GRCh37 (hg19) VCF-style: chr2-179514346-G-A.
Other names: c.13283-7302C>T (NM_003319.4); c.13859-7302C>T (NM_133437.4); c.13658-7302C>T (NM_133432.3); c.32593+198C>T (NM_133378.4); c.35374+198C>T (NM_001256850.1); short protein forms P13303L.
Identifiers: ClinVar variation 3895439 (VCV003895439.2), dbSNP rs573342276.